The following is an entry in ClinVar:

ClinVar aggregate classification (germline): Likely pathogenic (1 of 4 stars; one submission).

gnomAD v4.1: 1 of 1,614,132 alleles (0.000062%); highest among the groups gnomAD compares: Non-Finnish European, 0.000085%; no homozygotes.

Submission:

Labcorp Genetics (formerly Invitae), Labcorp
Classification: Likely pathogenic. Last evaluated: 2022-08-23. Review status: criteria provided, single submitter. Criteria: Invitae Variant Classification Sherloc (09022015). Collection method: clinical testing. Allele origin: germline.
Comment: This variant is not present in population databases (gnomAD no frequency). This sequence change affects a donor splice site in intron 10 of the CDH3 gene. It is expected to disrupt RNA splicing. Variants that disrupt the donor or acceptor splice site typically lead to a loss of protein function (PMID: 16199547), and loss-of-function variants in CDH3 are known to be pathogenic (PMID: 15805154, 27386845, 29620724). This variant has not been reported in the literature in individuals affected with CDH3-related conditions. ClinVar contains an entry for this variant (Variation ID: 1498415). Algorithms developed to predict the effect of sequence changes on RNA splicing suggest that this variant may disrupt the consensus splice site. In summary, the currently available evidence indicates that the variant is pathogenic, but additional data are needed to prove that conclusively. Therefore, this variant has been classified as Likely Pathogenic.

Literature cited by the submitters: PubMed 16199547; PubMed 15805154; PubMed 27386845; PubMed 29620724.

NM_001793.6(CDH3):c.1424+1G>C

Gene: CDH3 (cadherin 3; plus strand). Cytogenetic location: 16q22.1.
Variant type: single nucleotide variant.
Coding change: c.1424+1G>C on transcript NM_001793.6 (MANE Select); the canonical splice donor site of the intron after coding-DNA position 1424, G replaced by C.
Molecular consequence: splice donor variant.
Genome position (GRCh38, 1-based): chr16:68,684,825, G>C. VCF-style: chr16-68684825-G-C. GRCh37 (hg19) VCF-style: chr16-68718728-G-C.
Other names: c.1259+1G>C (NM_001317196.2); c.1424+1G>C (NM_001317195.3).
Identifiers: ClinVar variation 1498415 (VCV001498415.8), dbSNP rs2152102729, ClinGen allele CA396454230.
Genomic context (GRCh38, chr16:68,684,825, plus strand): 5'-TGGGGAGCCTGTGTGTGTCTACACTGCAGAAGACCCTGACAAGGAGAATCAAAAGATCAG[G>C]TACTCAGGAGCTGGGCTCAGTAAGCAGCACGTACTGGTACAGTTGGTGGGTGGGTGATCA-3'